The following is an entry in ClinVar:

NM_201384.3(PLEC):c.13403C>T (p.Ala4468Val)

Gene: PLEC (plectin; minus strand). Cytogenetic location: 8q24.3.
Variant type: single nucleotide variant.
Coding change: c.13403C>T on transcript NM_201384.3 (MANE Select); coding-DNA position 13403, C replaced by T.
Protein change: p.Ala4468Val; replaces alanine 4468 with valine.
Molecular consequence: missense variant.
Genome position (GRCh38, 1-based): chr8:143,916,418, G>A on the plus strand (C>T on the coding strand, the complement: PLEC is on the minus strand). VCF-style: chr8-143916418-G-A. GRCh37 (hg19) VCF-style: chr8-144990586-G-A.
Other names: c.13484C>T, p.Ala4495Val (NM_000445.5); c.13361C>T, p.Ala4454Val (NM_201378.4); c.13337C>T, p.Ala4446Val (NM_201379.3); c.13814C>T, p.Ala4605Val (NM_201380.4); c.13307C>T, p.Ala4436Val (NM_201381.3); c.13403C>T, p.Ala4468Val (NM_201382.4); c.13415C>T, p.Ala4472Val (NM_201383.3); c.13484C>T (NM_000445.3); short protein forms A4446V, A4468V, A4495V, A4605V, A4436V, A4454V, A4472V.
Identifiers: ClinVar variation 577546 (VCV000577546.13), dbSNP rs782730756, ClinGen allele CA4923816.

ClinVar aggregate classification (germline): Uncertain significance. Review status: criteria provided, multiple submitters, no conflicts (2 of 4 stars). 3 submissions from 3 submitters: Uncertain significance (3). Last evaluated 2026-05-08.

Conditions:
PLEC-related disorder. Also called: PLEC-related disorders; PLEC-related condition.
Epidermolysis bullosa simplex 5C, with pyloric atresia (EBS5C). Also called: PLEC-Related Epidermolysis Bullosa with Pyloric Atresia; PLEC1-Related Epidermolysis Bullosa with Pyloric Atresia; Epidermolysis bullosa simplex with pyloric atresia. Identifiers: Orphanet 158684, MedGen C2677349, MONDO:0012807, OMIM 612138.
Epidermolysis bullosa simplex, Ogna type (EBS5A). Also called: Pidermolysis bullosa simplex 5A, Ogna type; EPIDERMOLYSIS BULLOSA SIMPLEX 5A, OGNA TYPE. Identifiers: Orphanet 79401, MedGen C0432317, MONDO:0007555, OMIM 131950.
Epidermolysis bullosa simplex 5B, with muscular dystrophy (EBS5B). Also called: Epidermolysis bullosa simplex with muscular dystrophy; EPIDERMOLYSIS BULLOSA SIMPLEX AND LIMB-GIRDLE MUSCULAR DYSTROPHY. Identifiers: Orphanet 257, MedGen C2931072, MONDO:0009181, OMIM 226670.
Epidermolysis bullosa simplex with nail dystrophy (EBS5D). Identifiers: MedGen C4225309, MONDO:0014661, OMIM 616487.
Autosomal recessive limb-girdle muscular dystrophy type 2Q (LGMDR17). Also called: MUSCULAR DYSTROPHY, LIMB-GIRDLE, AUTOSOMAL RECESSIVE 17. Identifiers: Orphanet 254361, MedGen C3150989, MONDO:0013390, OMIM 613723.
Inborn genetic diseases. Identifiers: MedGen C0950123, MeSH D030342.

Allele frequency attached by ClinVar (database versions not stated): TOPMed 0.00002; gnomAD 0.00003; gnomAD exomes 0.00003 and 0.00005; ExAC 0.00004.
gnomAD v4.1: 50 of 1,611,434 alleles (0.0031%); highest among the groups gnomAD compares: Admixed American, 0.012%; no homozygotes.

Submissions (3):

PreventionGenetics, part of Exact Sciences
Classification: Uncertain significance for PLEC-related condition. Last evaluated: 2026-05-08. Review status: criteria provided, single submitter. Criteria: ACMG Guidelines, 2015. Collection method: clinical testing. Allele origin: germline.
Comment: The PLEC c.13484C>T variant is predicted to result in the amino acid substitution p.Ala4495Val. To our knowledge, this variant has not been reported in the literature. This variant is reported in 0.021% of alleles in individuals of African descent in gnomAD. At this time, the clinical significance of this variant is uncertain due to the absence of conclusive functional and genetic evidence.

Labcorp Genetics (formerly Invitae), Labcorp
Classification: Uncertain significance for Autosomal recessive limb-girdle muscular dystrophy type 2Q; Epidermolysis bullosa simplex, Ogna type; Epidermolysis bullosa simplex with nail dystrophy; Epidermolysis bullosa simplex 5C, with pyloric atresia; Epidermolysis bullosa simplex 5B, with muscular dystrophy. Last evaluated: 2025-09-16. Review status: criteria provided, single submitter. Criteria: Invitae Variant Classification Sherloc (09022015). Collection method: clinical testing. Allele origin: germline.
Comment: This sequence change replaces alanine, which is neutral and non-polar, with valine, which is neutral and non-polar, at codon 4495 of the PLEC protein (p.Ala4495Val). This variant is present in population databases (rs782730756, gnomAD 0.02%). This variant has not been reported in the literature in individuals affected with PLEC-related conditions. ClinVar contains an entry for this variant (Variation ID: 577546). Invitae Evidence Modeling of protein sequence and biophysical properties (such as structural, functional, and spatial information, amino acid conservation, physicochemical variation, residue mobility, and thermodynamic stability) indicates that this missense variant is not expected to disrupt PLEC protein function with a negative predictive value of 80%. In summary, the available evidence is currently insufficient to determine the role of this variant in disease. Therefore, it has been classified as a Variant of Uncertain Significance.

Ambry Genetics
Classification: Uncertain significance for Inborn genetic diseases. Last evaluated: 2025-06-25. Review status: criteria provided, single submitter. Criteria: Ambry Variant Classification Scheme 2023. Collection method: clinical testing. Allele origin: germline.